The following is an entry in ClinVar:

ClinVar aggregate classification (germline): Likely benign (1 of 4 stars; one submission).

Conditions:
SEMA3D-related disorder. Also called: SEMA3D-related condition.

gnomAD v4.1: 3 of 1,612,216 alleles (0.00019%); highest among the groups gnomAD compares: African/African-American, 0.004%; no homozygotes.

Submission:

PreventionGenetics, part of Exact Sciences
Classification: Likely benign for SEMA3D-related condition. Last evaluated: 2026-04-29. Review status: criteria provided, single submitter. Criteria: ACMG Guidelines, 2015. Collection method: clinical testing. Allele origin: germline.
Comment: This variant is classified as likely benign based on ACMG/AMP sequence variant interpretation guidelines (Richards et al. 2015 PMID: 25741868, with internal and published modifications).

NM_001384900.1(SEMA3D):c.1188T>C (p.Gly396=)

Gene: SEMA3D (semaphorin 3D; minus strand). Cytogenetic location: 7q21.11.
Variant type: single nucleotide variant.
Coding change: c.1188T>C on transcript NM_001384900.1 (MANE Select); coding-DNA position 1188, T replaced by C.
Protein change: p.Gly396=; no amino-acid change (glycine 396 retained).
Molecular consequence: synonymous variant.
Genome position (GRCh38, 1-based): chr7:85,036,892, A>G on the plus strand (T>C on the coding strand, the complement: SEMA3D is on the minus strand). VCF-style: chr7-85036892-A-G. GRCh37 (hg19) VCF-style: chr7-84666208-A-G.
Other names: c.1188T>C, p.Gly396= (NM_001384901.1, NM_001384902.1, NM_001384903.1 and 1 more transcripts).
Identifiers: ClinVar variation 4985862 (VCV004985862.1).